The following is an entry in ClinVar:

ClinVar aggregate classification (germline): Uncertain significance (1 of 4 stars; one submission).

gnomAD v4.1: 2 of 1,611,642 alleles (0.00012%); highest among the groups gnomAD compares: Non-Finnish European, 0.00017%; no homozygotes.

Submission:

Labcorp Genetics (formerly Invitae), Labcorp
Classification: Uncertain significance. Last evaluated: 2022-10-25. Review status: criteria provided, single submitter. Criteria: Invitae Variant Classification Sherloc (09022015). Collection method: clinical testing. Allele origin: germline.
Comment: This sequence change replaces glutamic acid, which is acidic and polar, with lysine, which is basic and polar, at codon 159 of the C1QBP protein (p.Glu159Lys). In summary, the available evidence is currently insufficient to determine the role of this variant in disease. Therefore, it has been classified as a Variant of Uncertain Significance. Algorithms developed to predict the effect of missense changes on protein structure and function are either unavailable or do not agree on the potential impact of this missense change (SIFT: "Deleterious"; PolyPhen-2: "Possibly Damaging"; Align-GVGD: "Class C0"). This variant has not been reported in the literature in individuals affected with C1QBP-related conditions. This variant is not present in population databases (gnomAD no frequency).

NM_001212.4(C1QBP):c.475G>A (p.Glu159Lys)

Gene: C1QBP (complement C1q binding protein; minus strand). Cytogenetic location: 17p13.2.
Variant type: single nucleotide variant.
Coding change: c.475G>A on transcript NM_001212.4 (MANE Select); coding-DNA position 475, G replaced by A.
Protein change: p.Glu159Lys; replaces glutamic acid 159 with lysine.
Molecular consequence: missense variant.
Genome position (GRCh38, 1-based): chr17:5,434,875, C>T on the plus strand (G>A on the coding strand, the complement: C1QBP is on the minus strand). VCF-style: chr17-5434875-C-T. GRCh37 (hg19) VCF-style: chr17-5338195-C-T.
Other names: short protein forms E159K.
Identifiers: ClinVar variation 2124408 (VCV002124408.4), dbSNP rs2507765931, ClinGen allele CA397371221.